The following is an entry in ClinVar:

NM_000186.4(CFH):c.1366G>T (p.Glu456Ter)

Gene: CFH (complement factor H; plus strand). Cytogenetic location: 1q31.3.
Variant type: single nucleotide variant.
Coding change: c.1366G>T on transcript NM_000186.4 (MANE Select); coding-DNA position 1366, G replaced by T.
Protein change: p.Glu456Ter; replaces glutamic acid 456 with a stop codon.
Molecular consequence: nonsense.
Genome position (GRCh38, 1-based): chr1:196,713,764, G>T. VCF-style: chr1-196713764-G-T. GRCh37 (hg19) VCF-style: chr1-196682894-G-T.
Other names: short protein forms E456*.
Identifiers: ClinVar variation 2738506 (VCV002738506.3), dbSNP rs776219612, ClinGen allele CA343981636.

ClinVar aggregate classification (germline): Pathogenic (1 of 4 stars; one submission).

Submission:

Labcorp Genetics (formerly Invitae), Labcorp
Classification: Pathogenic. Last evaluated: 2023-07-08. Review status: criteria provided, single submitter. Criteria: Invitae Variant Classification Sherloc (09022015). Collection method: clinical testing. Allele origin: germline.
Comment: For these reasons, this variant has been classified as Pathogenic. This variant has not been reported in the literature in individuals affected with CFH-related conditions. This variant is not present in population databases (gnomAD no frequency). This sequence change creates a premature translational stop signal (p.Glu456*) in the CFH gene. It is expected to result in an absent or disrupted protein product. Loss-of-function variants in CFH are known to be pathogenic (PMID: 11170896, 14978182, 16621965, 23870792, 25188723).

Literature cited by the submitters: PubMed 11170896; PubMed 14978182; PubMed 16621965; PubMed 23870792; PubMed 25188723.